The following is an entry in ClinVar:

ClinVar aggregate classification (germline): Likely benign (1 of 4 stars; one submission).

Conditions:
MELAS syndrome (MELAS). Also called: Juvenile myopathy, encephalopathy, lactic acidosis, stroke. Identifiers: Orphanet 550, MedGen C0162671, MONDO:0010789, OMIM 540000.

Submission:

Wong Mito Lab, Molecular and Human Genetics, Baylor College of Medicine
Classification: Likely benign for MELAS syndrome. Last evaluated: 2019-07-12. Review status: criteria provided, single submitter. Criteria: Modified ACMG Guidelines (Unpublished). Collection method: clinical testing. Allele origin: germline.
Comment: The NC_012920.1:m.8346C>A variant in MT-TK gene is interpreted to be a Likely Benign variant based on the modified ACMG guidelines (unpublished). This variant meets the following evidence codes reported in the guidelines: BS1, BP4

Literature cited by the submitters: PubMed 31965079.

NC_012920.1(MT-TK):m.8346C>A

Gene: MT-TK (mitochondrially encoded tRNA lysine; plus strand).
Variant type: single nucleotide variant.
Genome position: chrM-8346-C-A.
Identifiers: ClinVar variation 690077 (VCV000690077.1), dbSNP rs1603221415, ClinGen allele CA913179047.
Genomic context (GRCh38, chrMT:8,346, plus strand): 5'-TCTAGAGCCCACTGTAAAGCTAACTTAGCATTAACCTTTTAAGTTAAAGATTAAGAGAAC[C>A]AACACCTCTTTACAGTGAAATGCCCCAACTAAATACTACCGTATGGCCCACCATAATTAC-3'